The following is an entry in ClinVar:

ClinVar aggregate classification (germline): Uncertain significance (1 of 4 stars; one submission).

Conditions:
Dilated cardiomyopathy 1J (CMD1J). Also called: CARDIOMYOPATHY, DILATED, WITH SENSORINEURAL HEARING LOSS, AUTOSOMAL DOMINANT. Identifiers: Orphanet 217622, MedGen C1854368, MONDO:0011541, OMIM 605362.

Submission:

Labcorp Genetics (formerly Invitae), Labcorp
Classification: Uncertain significance for Dilated cardiomyopathy 1J. Last evaluated: 2019-05-08. Review status: criteria provided, single submitter. Criteria: Invitae Variant Classification Sherloc (09022015). Collection method: clinical testing. Allele origin: germline.
Comment: In summary, the available evidence is currently insufficient to determine the role of this variant in disease. Therefore, it has been classified as a Variant of Uncertain Significance. Algorithms developed to predict the effect of missense changes on protein structure and function are either unavailable or do not agree on the potential impact of this missense change (SIFT: "Deleterious"; PolyPhen-2: "Probably Damaging"; Align-GVGD: "Class C15"). This variant has not been reported in the literature in individuals with EYA4-related conditions. This variant is not present in population databases (ExAC no frequency). This sequence change replaces serine with phenylalanine at codon 524 of the EYA4 protein (p.Ser524Phe). The serine residue is highly conserved and there is a large physicochemical difference between serine and phenylalanine.

NM_004100.5(EYA4):c.1571C>T (p.Ser524Phe)

Genes: TARID (TCF21 antisense RNA inducing promoter demethylation; minus strand), EYA4 (EYA transcriptional coactivator and phosphatase 4; plus strand). Cytogenetic location: 6q23.2.
Variant type: single nucleotide variant.
Coding change: c.1571C>T on transcript NM_004100.5 (MANE Select); coding-DNA position 1571, C replaced by T.
Protein change: p.Ser524Phe; replaces serine 524 with phenylalanine.
Molecular consequence: missense variant.
Genome position (GRCh38, 1-based): chr6:133,515,390, C>T. VCF-style: chr6-133515390-C-T. GRCh37 (hg19) VCF-style: chr6-133836528-C-T.
Other names: c.1409C>T, p.Ser470Phe (NM_001301012.2); c.1589C>T, p.Ser530Phe (NM_001301013.2); c.1502C>T, p.Ser501Phe (NM_001370458.1, NM_172103.4); c.1427C>T, p.Ser476Phe (NM_001370459.1); c.1571C>T, p.Ser524Phe (NM_172105.4); short protein forms S476F, S470F, S524F, S530F, S501F.
Identifiers: ClinVar variation 945135 (VCV000945135.9), dbSNP rs1799504670, ClinGen allele CA365695482.
Genomic context (GRCh38, chr6:133,515,390, plus strand): 5'-GCCCTGCCAAGAGGGATGCCTGGCTACAGTTAAGGGCAGAGATTGAAGGTCTGACAGATT[C>T]CTGGCTAACAAATGCACTTAAGTCTTTATCAATTATTAGCACTAGGTAAGTGGAATTGTT-3'
Protein context (NP_004091.3, residues 514-534): LRAEIEGLTD[Ser524Phe]WLTNALKSLS